The following is an entry in ClinVar:

ClinVar aggregate classification (germline): Conflicting classifications of pathogenicity. Review status: criteria provided, conflicting classifications (1 of 4 stars). 4 submissions from 4 submitters: Uncertain significance (1); Likely benign (3). Last evaluated 2026-01-15.

Conditions:
Familial melanoma. Also called: Hereditary melanoma; Hereditary cutaneous melanoma. Identifiers: Orphanet 618, MedGen C1512419, MONDO:0018961.
Hereditary cancer-predisposing syndrome. Also called: Neoplastic Syndromes, Hereditary; Hereditary Cancer Syndrome; Tumor predisposition; Hereditary neoplastic syndrome. Identifiers: Orphanet 140162, MedGen C0027672, MeSH D009386, MONDO:0015356.

Allele frequency attached by ClinVar (database versions not stated): ExAC 0.00001; gnomAD 0.00001; TOPMed 0.00001.
gnomAD v4.1: 6 of 1,596,236 alleles (0.00038%); highest among the groups gnomAD compares: East Asian, 0.011%; no homozygotes.

Submissions (4):

Labcorp Genetics (formerly Invitae), Labcorp
Classification: Likely benign for Familial melanoma. Last evaluated: 2026-01-15. Review status: criteria provided, single submitter. Criteria: Invitae Variant Classification Sherloc (09022015). Collection method: clinical testing. Allele origin: germline.

Ambry Genetics
Classification: Uncertain significance for Hereditary cancer-predisposing syndrome. Last evaluated: 2023-02-17. Review status: criteria provided, single submitter. Criteria: Ambry Variant Classification Scheme 2023. Collection method: clinical testing. Allele origin: germline.
Comment: The p.R90G variant (also known as c.268C>G), located in coding exon 2 of the CDKN2A (p14ARF) gene, results from a C to G substitution at nucleotide position 268. The arginine at codon 90 is replaced by glycine, an amino acid with dissimilar properties. This alteration was detected in a cohort of 308 childhood acute lymphoblastic leukemia cases (Li C et al. Pharmacogenet Genomics, 2022 Feb;32:43-50). This amino acid position is poorly conserved in available vertebrate species. In addition, this alteration is predicted to be tolerated by in silico analysis. Since supporting evidence is limited at this time, the clinical significance of this alteration remains unclear.

Quest Diagnostics Nichols Institute San Juan Capistrano
Classification: Likely benign. Last evaluated: 2022-11-17. Review status: criteria provided, single submitter. Criteria: Quest Diagnostics criteria. Collection method: clinical testing. Allele origin: unknown.

Color Diagnostics, LLC DBA Color Health
Classification: Likely benign for Hereditary cancer-predisposing syndrome. Last evaluated: 2016-09-06. Review status: criteria provided, single submitter. Criteria: ACMG Guidelines, 2015. Collection method: clinical testing. Allele origin: germline.

Literature cited by the submitters: PubMed 34369425 (cited by Ambry Genetics); PubMed 28135145 (cited by Quest Diagnostics Nichols Institute San Juan Capistrano).

NM_000077.5(CDKN2A):c.225C>G (p.Pro75=)

Gene: CDKN2A (cyclin dependent kinase inhibitor 2A; minus strand). Cytogenetic location: 9p21.3.
Variant type: single nucleotide variant.
Coding change: c.225C>G on transcript NM_000077.5; coding-DNA position 225, C replaced by G.
Protein change: p.Pro75=; no amino-acid change (proline 75 retained).
Molecular consequence: synonymous variant (on NM_000077.6). On other transcripts: missense variant (1), 3 prime UTR variant (1).
Genome position (GRCh38, 1-based): chr9:21,971,134, G>C on the plus strand (C>G on the coding strand, the complement: CDKN2A is on the minus strand). VCF-style: chr9-21971134-G-C. GRCh37 (hg19) VCF-style: chr9-21971133-G-C.
Other names: c.225C>G, p.Pro75= (NM_000077.6, NM_001195132.2); c.72C>G, p.Pro24= (NM_001363763.2); c.268C>G, p.Arg90Gly (NM_058195.4); c.*148C>G (NM_058197.5); short protein forms R90G.
Identifiers: ClinVar variation 230923 (VCV000230923.15), dbSNP rs762397298, ClinGen allele CA5012200.
Genomic context (GRCh38, chr9:21,971,134, plus strand): 5'-CACCAGCGTGTCCAGGAAGCCCTCCCGGGCAGCGTCGTGCACGGGTCGGGTGAGAGTGGC[G>C]GGGTCGGCGCAGTTGGGCTCCGCGCCGTGGAGCAGCAGCAGCTCCGCCACTCGGGCGCTG-3'
Protein context (NP_000068.1, residues 65-85): LHGAEPNCAD[Pro75=]ATLTRPVHDA